The following is an entry in ClinVar:

NC_000016.9:g.(?_7629759)_(7637322_?)dup

Gene: RBFOX1 (RNA binding fox-1 homolog 1; plus strand). Cytogenetic location: 16p13.3.
Variant type: Duplication.
Identifiers: ClinVar variation 3243334 (VCV003243334.1).

ClinVar aggregate classification (germline): Uncertain significance (1 of 4 stars; one submission).

Conditions:
Idiopathic generalized epilepsy. Also called: Generalised epilepsy; EIG. Identifiers: MedGen C0270850, MONDO:0005579, OMIM 600669.

Submission:

Labcorp Genetics (formerly Invitae), Labcorp
Classification: Uncertain significance for Idiopathic generalized epilepsy. Last evaluated: 2023-06-27. Review status: criteria provided, single submitter. Criteria: Invitae Variant Classification Sherloc (09022015). Collection method: clinical testing. Allele origin: unknown.
Comment: In summary, the available evidence is currently insufficient to determine the role of this variant in disease. Therefore, it has been classified as a Variant of Uncertain Significance. This variant has not been reported in the literature in individuals affected with RBFOX1-related conditions. This variant results in a copy number gain of the genomic region encompassing exon(s) 3-4 of the RBFOX1 gene. While the exact position of this variant cannot be determined from the data, sub-genic copy number gains are generally in tandem (PMID: 25640679). This variant is predicted to be in-frame, and likely preserves the integrity of the reading frame.

Literature cited by the submitters: PubMed 25640679.